The following is an entry in ClinVar:

ClinVar aggregate classification (germline): Conflicting classifications of pathogenicity. Review status: criteria provided, conflicting classifications (1 of 4 stars). 7 submissions from 7 submitters: Uncertain significance (1); Benign (1); Likely benign (5). Last evaluated 2026-07-15.

Conditions:
Intellectual disability, autosomal dominant 16 (CSS4). Also called: COFFIN-SIRIS SYNDROME 4. Identifiers: Orphanet 1465, MedGen C3553249, MONDO:0013821, OMIM 614609.
Rhabdoid tumor predisposition syndrome 2 (RTPS2). Identifiers: Orphanet 231108, Orphanet 69077, MedGen C2750074, MONDO:0013224, OMIM 613325.
Hereditary cancer-predisposing syndrome. Also called: Neoplastic Syndromes, Hereditary; Tumor predisposition; Hereditary Cancer Syndrome; Hereditary neoplastic syndrome. Identifiers: Orphanet 140162, MedGen C0027672, MeSH D009386, MONDO:0015356.

Allele frequency attached by ClinVar (database versions not stated): gnomAD below 0.00001 and 0.00001; gnomAD exomes 0.00001 and 0.00002; TOPMed 0.00001.
gnomAD v4.1: 11 of 1,613,158 alleles (0.00068%); highest among the groups gnomAD compares: South Asian, 0.0099%; no homozygotes.

Submissions (7):

Myriad Genetics, Inc.
Classification: Benign for Rhabdoid tumor predisposition syndrome 2. Last evaluated: 2026-07-15. Review status: criteria provided, single submitter. Criteria: Myriad Autosomal Dominant, Autosomal Recessive and X-Linked Classification Criteria (2023). Collection method: clinical testing. Allele origin: unknown.
Comment: This variant is considered benign. This variant is a silent/synonymous amino acid change and it is not expected to impact splicing.

Labcorp Genetics (formerly Invitae), Labcorp
Classification: Likely benign for Rhabdoid tumor predisposition syndrome 2. Last evaluated: 2025-11-18. Review status: criteria provided, single submitter. Criteria: Invitae Variant Classification Sherloc (09022015). Collection method: clinical testing. Allele origin: germline.

CeGaT Center for Human Genetics Tuebingen
Classification: Likely benign. Last evaluated: 2025-08-01. Review status: criteria provided, single submitter. Criteria: CeGaT Center For Human Genetics Tuebingen Variant Classification Criteria Version 2. Collection method: clinical testing. Allele origin: germline. Affected: yes. Observed: 1 variant allele.
Comment: SMARCA4: BP4, BP7

Sema4
Classification: Likely benign for Hereditary cancer-predisposing syndrome. Last evaluated: 2021-12-25. Review status: criteria provided, single submitter. Criteria: Sema4 Curation Guidelines. Collection method: curation. Allele origin: germline.

Genome-Nilou Lab
Classification: Likely benign for Intellectual disability, autosomal dominant 16. Last evaluated: 2021-07-15. Review status: criteria provided, single submitter. Criteria: ACMG Guidelines, 2015. Collection method: clinical testing. Allele origin: germline. Affected: no.

Ambry Genetics
Classification: Likely benign for Hereditary cancer-predisposing syndrome. Last evaluated: 2016-06-03. Review status: criteria provided, single submitter. Criteria: Ambry Variant Classification Scheme 2023. Collection method: clinical testing. Allele origin: germline.

Genetic Services Laboratory, University of Chicago
Classification: Uncertain significance. Last evaluated: 2014-09-26. Review status: criteria provided, single submitter. Criteria: ACMG Guidelines, 2015. Collection method: clinical testing. Allele origin: germline.

NM_003072.5(SMARCA4):c.3732C>T (p.Arg1244=)

Gene: SMARCA4 (SWI/SNF related BAF chromatin remodeling complex subunit ATPase 4; plus strand). Cytogenetic location: 19p13.2.
Variant type: single nucleotide variant.
Coding change: c.3732C>T on transcript NM_003072.5 (MANE Select); coding-DNA position 3732, C replaced by T.
Protein change: p.Arg1244=; no amino-acid change (arginine 1244 retained).
Molecular consequence: synonymous variant. On other transcripts: non-coding transcript variant (1).
Genome position (GRCh38, 1-based): chr19:11,033,475, C>T. VCF-style: chr19-11033475-C-T. GRCh37 (hg19) VCF-style: chr19-11144151-C-T.
Other names: c.3732C>T, p.Arg1244= (NM_001128844.3, NM_001128845.2, NM_001128846.2 and 5 more transcripts).
Identifiers: ClinVar variation 212250 (VCV000212250.29), dbSNP rs797045983, ClinGen allele CA205641.